The following is an entry in ClinVar:

NM_025179.4(PLXNA2):c.5363G>A (p.Arg1788Gln)

Gene: PLXNA2 (plexin A2; minus strand). Cytogenetic location: 1q32.2.
Variant type: single nucleotide variant.
Coding change: c.5363G>A on transcript NM_025179.4 (MANE Select); coding-DNA position 5363, G replaced by A.
Protein change: p.Arg1788Gln; replaces arginine 1788 with glutamine.
Molecular consequence: missense variant.
Genome position (GRCh38, 1-based): chr1:208,028,905, C>T on the plus strand (G>A on the coding strand, the complement: PLXNA2 is on the minus strand). VCF-style: chr1-208028905-C-T. GRCh37 (hg19) VCF-style: chr1-208202250-C-T.
Other names: short protein forms R1788Q.
Identifiers: ClinVar variation 4987210 (VCV004987210.1).

ClinVar aggregate classification (germline): Uncertain significance (1 of 4 stars; one submission).

Conditions:
PLXNA2-related disorder. Also called: PLXNA2-related condition.

gnomAD v4.1: 10 of 1,614,010 alleles (0.00062%); highest among the groups gnomAD compares: Admixed American, 0.0033%; no homozygotes.

Submission:

PreventionGenetics, part of Exact Sciences
Classification: Uncertain significance for PLXNA2-related condition. Last evaluated: 2025-07-25. Review status: criteria provided, single submitter. Criteria: ACMG Guidelines, 2015. Collection method: clinical testing. Allele origin: germline.
Comment: The PLXNA2 c.5363G>A variant is predicted to result in the amino acid substitution p.Arg1788Gln. To our knowledge, this variant has not been reported in the literature. This variant is reported in 0.0029% of alleles in individuals of Latino descent in gnomAD. At this time, the clinical significance of this variant is uncertain due to the absence of conclusive functional and genetic evidence.